The following is an entry in ClinVar:

ClinVar aggregate classification (germline): Uncertain significance (1 of 4 stars; one submission).

Conditions:
Severe combined immunodeficiency due to DNA-PKcs deficiency. Also called: IMMUNODEFICIENCY 26 WITH NEUROLOGIC ABNORMALITIES; Immunodeficiency 26 with or without neurologic abnormalities. Identifiers: Orphanet 317425, MedGen C4014833, MONDO:0014423, OMIM 615966.

Allele frequency attached by ClinVar (database versions not stated): gnomAD 0.00001 and 0.00002; TOPMed 0.00002.

Submission:

Labcorp Genetics (formerly Invitae), Labcorp
Classification: Uncertain significance for Severe combined immunodeficiency due to DNA-PKcs deficiency. Last evaluated: 2020-01-25. Review status: criteria provided, single submitter. Criteria: Invitae Variant Classification Sherloc (09022015). Collection method: clinical testing. Allele origin: germline.
Comment: In summary, the available evidence is currently insufficient to determine the role of this variant in disease. Therefore, it has been classified as a Variant of Uncertain Significance. Experimental studies and prediction algorithms are not available or were not evaluated, and the functional significance of this variant is currently unknown. This variant has not been reported in the literature in individuals with PRKDC-related conditions. This variant is not present in population databases (ExAC no frequency). This sequence change replaces glutamine with histidine at codon 3133 of the PRKDC protein (p.Gln3133His). The glutamine residue is highly conserved and there is a small physicochemical difference between glutamine and histidine.

NM_006904.7(PRKDC):c.9399G>C (p.Gln3133His)

Gene: PRKDC (protein kinase, DNA-activated, catalytic subunit; minus strand). Cytogenetic location: 8q11.21.
Variant type: single nucleotide variant.
Coding change: c.9399G>C on transcript NM_006904.7 (MANE Select); coding-DNA position 9399, G replaced by C.
Protein change: p.Gln3133His; replaces glutamine 3133 with histidine.
Molecular consequence: missense variant.
Genome position (GRCh38, 1-based): chr8:47,819,448, C>G on the plus strand (G>C on the coding strand, the complement: PRKDC is on the minus strand). VCF-style: chr8-47819448-C-G. GRCh37 (hg19) VCF-style: chr8-48732009-C-G.
Other names: c.9399G>C, p.Gln3133His (NM_001081640.2); short protein forms Q3133H.
Identifiers: ClinVar variation 1053210 (VCV001053210.3), dbSNP rs1178320680, ClinGen allele CA371138130.